The following is an entry in ClinVar:

NC_000011.10:g.(?_108227625)_(108365508_?)del

Gene: ATM (ATM serine/threonine kinase; plus strand). Cytogenetic location: 11q22.3.
Variant type: Deletion.
Identifiers: ClinVar variation 831586 (VCV000831586.6).

ClinVar aggregate classification (germline): Pathogenic (1 of 4 stars; one submission).

Conditions:
Ataxia-telangiectasia syndrome (AT). Also called: ATAXIA-TELANGIECTASIA, COMPLEMENTATION GROUP A; ATAXIA-TELANGIECTASIA, FRESNO VARIANT; Ataxia-telangiectasia, complementation group E; Ataxia telangiectasia (A-T); LOUIS-BAR SYNDROME; Cerebello-oculocutaneous telangiectasia. Identifiers: Orphanet 100, MedGen C0004135, MONDO:0008840, OMIM 208900.

Submission:

Labcorp Genetics (formerly Invitae), Labcorp
Classification: Pathogenic for Ataxia-telangiectasia syndrome. Last evaluated: 2024-01-30. Review status: criteria provided, single submitter. Criteria: Invitae Variant Classification Sherloc (09022015). Collection method: clinical testing. Allele origin: germline.
Comment: A gross deletion of the genomic region encompassing the full coding sequence of the ATM gene has been identified. Loss-of-function variants in ATM are known to be pathogenic (PMID: 23807571, 25614872). The boundaries of this event are unknown as they extend beyond the assayed region for this gene and therefore may encompass additional genes. A similar copy number variant has been observed in individual(s) with breast cancer and/or ovarian cancer (PMID: 33047316). For these reasons, this variant has been classified as Pathogenic.

Literature cited by the submitters: PubMed 23807571; PubMed 25614872; PubMed 33047316.